The following is an entry in ClinVar:

NM_198569.3(ADGRG6):c.367A>G (p.Ser123Gly)

Gene: ADGRG6 (adhesion G protein-coupled receptor G6; plus strand). Cytogenetic location: 6q24.2.
Variant type: single nucleotide variant.
Coding change: c.367A>G on transcript NM_198569.3 (MANE Select); coding-DNA position 367, A replaced by G.
Protein change: p.Ser123Gly; replaces serine 123 with glycine.
Molecular consequence: missense variant.
Genome position (GRCh38, 1-based): chr6:142,367,832, A>G. VCF-style: chr6-142367832-A-G. GRCh37 (hg19) VCF-style: chr6-142688969-A-G.
Other names: NC_000006.11:g.142688969A>G; c.367A>G, p.Ser123Gly (NM_001032394.3, NM_001032395.3, NM_020455.6); short protein forms S123G.
Identifiers: ClinVar variation 1277289 (VCV001277289.2), dbSNP rs17280293, ClinGen allele CA4026632.
Genomic context (GRCh38, chr6:142,367,832, plus strand): 5'-AATGGAGAGAGCCAGACTAAATTTTGTGGAGCAACTGCCAAAGGCCTATCATTTAACTCA[A>G]GTGCGAATGAGATGCATGTGTCCTTTTCAAGTGACTTTAGCATCCAGAAGAAAGGTTTCA-3'
Protein context (NP_940971.2, residues 113-133): ATAKGLSFNS[Ser123Gly]ANEMHVSFSS

ClinVar aggregate classification (germline): Benign (1 of 4 stars; one submission).

Allele frequency attached by ClinVar (database versions not stated): ESP Exome Variant Server 0.02283; gnomAD 0.02373 and 0.02399; TOPMed 0.02634; gnomAD exomes 0.02754 and 0.03036; 1000 Genomes Project 0.02756; 1000 Genomes Project 30x 0.02842; ExAC 0.02849.
gnomAD v4.1: 43,787 of 1,613,664 alleles (2.7%); highest among the groups gnomAD compares: Admixed American, 7%; 756 homozygotes.

Submissions (18):

GeneDx
Classification: Benign. Last evaluated: 2021-05-04. Review status: criteria provided, single submitter. Criteria: GeneDx Variant Classification Process June 2021. Collection method: clinical testing. Allele origin: germline. Affected: yes.
Comment: This variant is associated with the following publications: (PMID: 29026132)

Dr. Peter K. Rogan Lab, Western University
No classification provided (evidence only). Condition: Melanoma. Review status: no classification provided. Collection method: in vitro. Allele origin: not applicable. Functional consequence: retained intron. Not counted in ClinVar's aggregate classification.

Dr. Peter K. Rogan Lab, Western University
No classification provided (evidence only). Condition: Melanoma. Review status: no classification provided. Collection method: in vitro. Allele origin: not applicable. Functional consequence: retained intron. Not counted in ClinVar's aggregate classification.

Dr. Peter K. Rogan Lab, Western University
No classification provided (evidence only). Condition: Melanoma. Review status: no classification provided. Collection method: in vitro. Allele origin: not applicable. Functional consequence: retained intron. Not counted in ClinVar's aggregate classification.

Dr. Peter K. Rogan Lab, Western University
No classification provided (evidence only). Condition: Melanoma. Review status: no classification provided. Collection method: in vitro. Allele origin: not applicable. Functional consequence: retained intron. Not counted in ClinVar's aggregate classification.

Dr. Peter K. Rogan Lab, Western University
No classification provided (evidence only). Condition: Colorectal cancer. Review status: no classification provided. Collection method: in vitro. Allele origin: not applicable. Functional consequence: retained intron. Not counted in ClinVar's aggregate classification.

Dr. Peter K. Rogan Lab, Western University
No classification provided (evidence only). Condition: Colorectal cancer. Review status: no classification provided. Collection method: in vitro. Allele origin: not applicable. Functional consequence: retained intron. Not counted in ClinVar's aggregate classification.

Dr. Peter K. Rogan Lab, Western University
No classification provided (evidence only). Condition: Cervical cancer. Review status: no classification provided. Collection method: in vitro. Allele origin: not applicable. Functional consequence: retained intron. Not counted in ClinVar's aggregate classification.

Dr. Peter K. Rogan Lab, Western University
No classification provided (evidence only). Condition: Cervical cancer. Review status: no classification provided. Collection method: in vitro. Allele origin: not applicable. Functional consequence: retained intron. Not counted in ClinVar's aggregate classification.

Dr. Peter K. Rogan Lab, Western University
No classification provided (evidence only). Condition: Cervical cancer. Review status: no classification provided. Collection method: in vitro. Allele origin: not applicable. Functional consequence: retained intron. Not counted in ClinVar's aggregate classification.

Dr. Peter K. Rogan Lab, Western University
No classification provided (evidence only). Condition: Cervical cancer. Review status: no classification provided. Collection method: in vitro. Allele origin: not applicable. Functional consequence: retained intron. Not counted in ClinVar's aggregate classification.

Dr. Peter K. Rogan Lab, Western University
No classification provided (evidence only). Condition: Sarcoma. Review status: no classification provided. Collection method: in vitro. Allele origin: not applicable. Functional consequence: retained intron. Not counted in ClinVar's aggregate classification.

Dr. Peter K. Rogan Lab, Western University
No classification provided (evidence only). Condition: Sarcoma. Review status: no classification provided. Collection method: in vitro. Allele origin: not applicable. Functional consequence: retained intron. Not counted in ClinVar's aggregate classification.

Dr. Peter K. Rogan Lab, Western University
No classification provided (evidence only). Condition: Malignant lymphoma, large B-cell, diffuse. Review status: no classification provided. Collection method: in vitro. Allele origin: not applicable. Functional consequence: retained intron. Not counted in ClinVar's aggregate classification.

Dr. Peter K. Rogan Lab, Western University
No classification provided (evidence only). Condition: Nonpapillary renal cell carcinoma. Review status: no classification provided. Collection method: in vitro. Allele origin: not applicable. Functional consequence: retained intron. Not counted in ClinVar's aggregate classification.

Dr. Peter K. Rogan Lab, Western University
No classification provided (evidence only). Condition: Thymoma. Review status: no classification provided. Collection method: in vitro. Allele origin: not applicable. Functional consequence: retained intron. Not counted in ClinVar's aggregate classification.

Dr. Peter K. Rogan Lab, Western University
No classification provided (evidence only). Condition: Thymoma. Review status: no classification provided. Collection method: in vitro. Allele origin: not applicable. Functional consequence: retained intron. Not counted in ClinVar's aggregate classification.

Dr. Peter K. Rogan Lab, Western University
No classification provided (evidence only). Condition: Malignant tumor of esophagus. Review status: no classification provided. Collection method: in vitro. Allele origin: not applicable. Functional consequence: retained intron. Not counted in ClinVar's aggregate classification.